The following is an entry in ClinVar:

ClinVar aggregate classification (germline): Uncertain significance (1 of 4 stars; one submission).

Submission:

Ambry Genetics
Classification: Uncertain significance. Last evaluated: 2025-01-20. Review status: criteria provided, single submitter. Criteria: Ambry Variant Classification Scheme 2023. Collection method: clinical testing. Allele origin: germline.
Comment: The p.S397A variant (also known as c.1189T>G), located in coding exon 4 of the WNK2 gene, results from a T to G substitution at nucleotide position 1189. The serine at codon 397 is replaced by alanine, an amino acid with similar properties. This amino acid position is conserved. In addition, this alteration is predicted to be tolerated by in silico analysis. Based on the available evidence, the clinical significance of this variant remains unclear.

NM_006648.4(WNK2):c.1189T>G (p.Ser397Ala)

Gene: WNK2 (WNK lysine deficient protein kinase 2; plus strand). Cytogenetic location: 9q22.31.
Variant type: single nucleotide variant.
Coding change: c.1189T>G on transcript NM_006648.4 (MANE Select); coding-DNA position 1189, T replaced by G.
Protein change: p.Ser397Ala; replaces serine 397 with alanine.
Molecular consequence: missense variant.
Genome position (GRCh38, 1-based): chr9:93,234,921, T>G. VCF-style: chr9-93234921-T-G. GRCh37 (hg19) VCF-style: chr9-95997203-T-G.
Other names: c.1189T>G, p.Ser397Ala (NM_001282394.3); short protein forms S397A.
Identifiers: ClinVar variation 3816887 (VCV003816887.1).